The following is an entry in ClinVar:

NM_015335.5(MED13L):c.4342T>G (p.Cys1448Gly)

Gene: MED13L (mediator complex subunit 13L; minus strand). Cytogenetic location: 12q24.21.
Variant type: single nucleotide variant.
Coding change: c.4342T>G on transcript NM_015335.5 (MANE Select); coding-DNA position 4342, T replaced by G.
Protein change: p.Cys1448Gly; replaces cysteine 1448 with glycine.
Molecular consequence: missense variant.
Genome position (GRCh38, 1-based): chr12:115,984,369, A>C on the plus strand (T>G on the coding strand, the complement: MED13L is on the minus strand). VCF-style: chr12-115984369-A-C. GRCh37 (hg19) VCF-style: chr12-116422174-A-C.
Other names: short protein forms C1448G.
Identifiers: ClinVar variation 2503383 (VCV002503383.5), dbSNP rs1454130569, ClinGen allele CA386883852.
Genomic context (GRCh38, chr12:115,984,369, plus strand): 5'-CCACGCGCATGATCCCGTCACGTAGCACTTTGCAGATGGGCTTGTGCTGCCCAAGCCTAC[A>C]CATCTGATATCATAGACAAGATCATTAGTTATAACAGGAGCCATTCCTTCATTCAGTACC-3'
Protein context (NP_056150.1, residues 1438-1458): FRDLSAVYEM[Cys1448Gly]RLGQHKPICK

ClinVar aggregate classification (germline): Conflicting classifications of pathogenicity. Review status: criteria provided, conflicting classifications (1 of 4 stars). 3 submissions from 3 submitters: Uncertain significance (2); Likely benign (1). Last evaluated 2026-06-04.

Conditions:
Dextro-looped transposition of the great arteries. Also called: Dextrotransposition of the great arteries. Identifiers: Orphanet 860, MedGen C3531771, MONDO:0019443, OMIM 608808, HP:0031348.
Inborn genetic diseases. Identifiers: MedGen C0950123, MeSH D030342.

Allele frequency attached by ClinVar (database versions not stated): TOPMed 0.00001; gnomAD exomes 0.00001.
gnomAD v4.1: 3 of 1,614,048 alleles (0.00019%); highest among the groups gnomAD compares: Admixed American, 0.005%; no homozygotes.

Submissions (3):

Ambry Genetics
Classification: Likely benign for Inborn genetic diseases. Last evaluated: 2026-06-04. Review status: criteria provided, single submitter. Criteria: Ambry Variant Classification Scheme 2023. Collection method: clinical testing. Allele origin: germline.

Labcorp Genetics (formerly Invitae), Labcorp
Classification: Uncertain significance for Dextro-looped transposition of the great arteries. Last evaluated: 2024-06-03. Review status: criteria provided, single submitter. Criteria: Invitae Variant Classification Sherloc (09022015). Collection method: clinical testing. Allele origin: germline.
Comment: This sequence change replaces cysteine, which is neutral and slightly polar, with glycine, which is neutral and non-polar, at codon 1448 of the MED13L protein (p.Cys1448Gly). This variant is present in population databases (no rsID available, gnomAD 0.006%). This variant has not been reported in the literature in individuals affected with MED13L-related conditions. ClinVar contains an entry for this variant (Variation ID: 2503383). Advanced modeling of protein sequence and biophysical properties (such as structural, functional, and spatial information, amino acid conservation, physicochemical variation, residue mobility, and thermodynamic stability) performed at Invitae indicates that this missense variant is expected to disrupt MED13L protein function with a positive predictive value of 80%. In summary, the available evidence is currently insufficient to determine the role of this variant in disease. Therefore, it has been classified as a Variant of Uncertain Significance.

GeneDx
Classification: Uncertain significance. Last evaluated: 2022-11-29. Review status: criteria provided, single submitter. Criteria: GeneDx Variant Classification Process June 2021. Collection method: clinical testing. Allele origin: germline. Affected: yes.
Comment: In silico analysis supports that this missense variant has a deleterious effect on protein structure/function; Has not been previously published as pathogenic or benign to our knowledge